The following is an entry in ClinVar:

NM_000051.4(ATM):c.6666T>C (p.Pro2222=)

Genes: ATM (ATM serine/threonine kinase; plus strand), C11orf65 (chromosome 11 open reading frame 65; minus strand). Cytogenetic location: 11q22.3.
Variant type: single nucleotide variant.
Coding change: c.6666T>C on transcript NM_000051.4 (MANE Select); coding-DNA position 6666, T replaced by C.
Protein change: p.Pro2222=; no amino-acid change (proline 2222 retained).
Molecular consequence: synonymous variant. On other transcripts: intron variant (2).
Genome position (GRCh38, 1-based): chr11:108,325,403, T>C. VCF-style: chr11-108325403-T-C. GRCh37 (hg19) VCF-style: chr11-108196130-T-C.
Other names: c.6666T>C, p.Pro2222= (NM_001351834.2); c.641-16332A>G (NM_001330368.2); c.*38+9817A>G (NM_001351110.2).
Identifiers: ClinVar variation 826540 (VCV000826540.11), dbSNP rs1591128954, ClinGen allele CA476745352.

ClinVar aggregate classification (germline): Benign/Likely benign. Review status: criteria provided, multiple submitters, no conflicts (2 of 4 stars). 3 submissions from 3 submitters: Benign (1); Likely benign (2). Last evaluated 2025-12-20.

Conditions:
Hereditary cancer-predisposing syndrome. Also called: Tumor predisposition; Neoplastic Syndromes, Hereditary; Hereditary Cancer Syndrome; Hereditary neoplastic syndrome. Identifiers: Orphanet 140162, MedGen C0027672, MeSH D009386, MONDO:0015356.
Familial cancer of breast. Also called: Hereditary breast cancer; BREAST CANCER, FAMILIAL; hereditary breast carcinoma. Identifiers: Orphanet 227535, MedGen C0346153, MONDO:0016419, OMIM 114480. Disease mechanism: loss of function.
Ataxia-telangiectasia syndrome (AT). Also called: ATAXIA-TELANGIECTASIA, COMPLEMENTATION GROUP A; ATAXIA-TELANGIECTASIA, FRESNO VARIANT; Ataxia-telangiectasia; Ataxia-telangiectasia, complementation group D; AT, COMPLEMENTATION GROUP C; Ataxia-telangiectasia, complementation group E. Identifiers: Orphanet 100, MedGen C0004135, MONDO:0008840, OMIM 208900.

Allele frequency attached by ClinVar (database versions not stated): gnomAD exomes 0.00001.
gnomAD v4.1: 3 of 1,613,850 alleles (0.00019%); highest among the groups gnomAD compares: Non-Finnish European, 0.00025%; no homozygotes.

Submissions (3):

Labcorp Genetics (formerly Invitae), Labcorp
Classification: Likely benign for Ataxia-telangiectasia syndrome. Last evaluated: 2025-12-20. Review status: criteria provided, single submitter. Criteria: Invitae Variant Classification Sherloc (09022015). Collection method: clinical testing. Allele origin: germline.

Myriad Genetics, Inc.
Classification: Benign for Familial cancer of breast. Last evaluated: 2024-06-07. Review status: criteria provided, single submitter. Criteria: Myriad Autosomal Dominant, Autosomal Recessive and X-Linked Classification Criteria (2023). Collection method: clinical testing. Allele origin: unknown.
Comment: This variant is considered benign. This variant is a silent/synonymous amino acid change and it is not expected to impact splicing.

Ambry Genetics
Classification: Likely benign for Hereditary cancer-predisposing syndrome. Last evaluated: 2019-07-16. Review status: criteria provided, single submitter. Criteria: Ambry Variant Classification Scheme 2023. Collection method: clinical testing. Allele origin: germline.